The following is an entry in ClinVar:

ClinVar aggregate classification (germline): Conflicting classifications of pathogenicity. Review status: criteria provided, conflicting classifications (1 of 4 stars). 6 submissions from 6 submitters: Uncertain significance (3); Likely benign (3). Last evaluated 2025-10-01.

Conditions:
PROM1-related disorder. Also called: PROM1-related condition; PROM1-related disorders.
Inborn genetic diseases. Identifiers: MedGen C0950123, MeSH D030342.

Allele frequency attached by ClinVar (database versions not stated): 1000 Genomes Project 0.00020; ExAC 0.00025; ESP Exome Variant Server 0.00026; TOPMed 0.00049; 1000 Genomes Project 30x 0.00062; gnomAD 0.00064 and 0.00065.
gnomAD v4.1: 648 of 1,608,760 alleles (0.04%); highest among the groups gnomAD compares: Admixed American, 0.24%; no homozygotes.

Submissions (6):

Labcorp Genetics (formerly Invitae), Labcorp
Classification: Likely benign. Last evaluated: 2025-10-01. Review status: criteria provided, single submitter. Criteria: Invitae Variant Classification Sherloc (09022015). Collection method: clinical testing. Allele origin: germline.

PreventionGenetics, part of Exact Sciences
Classification: Likely benign for PROM1-related condition. Last evaluated: 2024-11-11. Review status: criteria provided, single submitter. Criteria: ACMG Guidelines, 2015. Collection method: clinical testing. Allele origin: germline.
Comment: This variant is classified as likely benign based on ACMG/AMP sequence variant interpretation guidelines (Richards et al. 2015 PMID: 25741868, with internal and published modifications).

Blueprint Genetics
Classification: Likely benign. Last evaluated: 2024-09-10. Review status: criteria provided, single submitter. Criteria: ACMG Guidelines, 2015. Collection method: clinical testing. Allele origin: germline.

Ambry Genetics
Classification: Uncertain significance for Inborn genetic diseases. Last evaluated: 2021-07-06. Review status: criteria provided, single submitter. Criteria: Ambry Variant Classification Scheme 2023. Collection method: clinical testing. Allele origin: germline.

GeneDx
Classification: Uncertain significance. Last evaluated: 2020-05-28. Review status: criteria provided, single submitter. Criteria: GeneDx Variant Classification Process June 2021. Collection method: clinical testing. Allele origin: germline. Affected: yes.
Comment: In silico analysis supports that this missense variant does not alter protein structure/function; Has not been previously published as pathogenic or benign to our knowledge

Eurofins Ntd Llc (ga)
Classification: Uncertain significance. Last evaluated: 2018-07-25. Review status: criteria provided, single submitter. Criteria: EGL ClinVar v180209 classification definitions. Collection method: clinical testing. Allele origin: germline. Observed: 1 variant allele, 1 heterozygote.

NM_006017.3(PROM1):c.1610A>G (p.Asp537Gly)

Gene: PROM1 (prominin 1; minus strand). Cytogenetic location: 4p15.32.
Variant type: single nucleotide variant.
Coding change: c.1610A>G on transcript NM_006017.3 (MANE Select); coding-DNA position 1610, A replaced by G.
Protein change: p.Asp537Gly; replaces aspartic acid 537 with glycine.
Molecular consequence: missense variant.
Genome position (GRCh38, 1-based): chr4:15,998,457, T>C on the plus strand (A>G on the coding strand, the complement: PROM1 is on the minus strand). VCF-style: chr4-15998457-T-C. GRCh37 (hg19) VCF-style: chr4-16000080-T-C.
Other names: c.1583A>G, p.Asp528Gly (NM_001145847.2, NM_001145848.2, NM_001145851.2 and 4 more transcripts); c.1610A>G, p.Asp537Gly (NM_001145849.2, NM_001145850.2); short protein forms D537G, D528G.
Identifiers: ClinVar variation 598125 (VCV000598125.20), dbSNP rs200545555, ClinGen allele CA2866705.